The following is an entry in ClinVar:

ClinVar aggregate classification (germline): Uncertain significance. Review status: reviewed by expert panel (3 of 4 stars). 3 submissions from 3 submitters: Uncertain significance (1). 2 of the submissions do not count toward it. Last evaluated 2026-11-03.

Conditions:
DICER1-related tumor predisposition. Also called: DICER1-related pleuropulmonary blastoma cancer predisposition syndrome; DICER1 syndrome. Identifiers: Orphanet 284343, MedGen C3839822, MONDO:0100216.
Hereditary cancer-predisposing syndrome. Also called: Neoplastic Syndromes, Hereditary; Hereditary Cancer Syndrome; Hereditary neoplastic syndrome; Tumor predisposition. Identifiers: Orphanet 140162, MedGen C0027672, MeSH D009386, MONDO:0015356.

Submissions (3):

ClinGen DICER1 and miRNA-Processing Gene Variant Curation Expert Panel, ClinGen
Classification: Uncertain significance for DICER1-related tumor predisposition. Last evaluated: 2026-11-03. Review status: reviewed by expert panel. Criteria: ClinGen DICER1 and miRNA-Processing Gene Expert Panel Specifications to the ACMG/AMP Variant Interpretation Guidelines for DICER1 Version 1.4. Collection method: curation. Allele origin: germline. Inheritance: Autosomal dominant inheritance.
Comment: The NM_177438.3:c.1719_1721del variant is predicted to cause a change in the length of the protein (p.Glu574del) due to an in-frame deletion of 1 amino acid in a non-repeat region outside of the RNase IIIb domain (p.D606-p.D609; p.E1418-p.E1420; p.E1422-p.E1425) (PM4_Supporting). Although this variant has been observed in individuals undergoing genetic sequencing, to our knowledge, this variant has not been reported in individuals with DICER1-related tumor predisposition (PS4 not met; Internal lab contributors). This variant is absent from gnomAD v4.1.1 (PM2_Supporting). In summary, this variant meets the criteria to be classified as Uncertain Significance for DICER1-related tumor predisposition based on the ACMG/AMP criteria applied, as specified by the ClinGen DICER1 VCEP: PM2_Supporting, PM4_Supporting. (VCEP specifications version 1.4.0) Based on Tavtigian et al 2020 (PMID:32720330), the total points applied = 2, which equates to a classification of VUS.

Ambry Genetics
Classification: Uncertain significance for Hereditary cancer-predisposing syndrome. Last evaluated: 2025-01-16. Review status: criteria provided, single submitter. Criteria: Ambry Variant Classification Scheme 2023. Collection method: clinical testing. Allele origin: germline. Not counted in ClinVar's aggregate classification.
Comment: The c.1722_1724delAGA variant (also known as p.E574del) is located in coding exon 9 of the DICER1 gene. This variant results from an in-frame AGA deletion at nucleotide positions 1722 to 1724. This results in the in-frame deletion of a glutamic acid at codon 574. This amino acid position is well conserved in available vertebrate species. In addition, the in silico prediction for this alteration is inconclusive (Choi Y et al. PLoS ONE. 2012; 7(10):e46688). Since supporting evidence is limited at this time, the clinical significance of this alteration remains unclear.

Labcorp Genetics (formerly Invitae), Labcorp
Classification: Uncertain significance for DICER1-related tumor predisposition. Last evaluated: 2024-04-17. Review status: criteria provided, single submitter. Criteria: Invitae Variant Classification Sherloc (09022015). Collection method: clinical testing. Allele origin: germline. Not counted in ClinVar's aggregate classification.
Comment: This variant, c.1722_1724del, results in the deletion of 1 amino acid(s) of the DICER1 protein (p.Glu574del), but otherwise preserves the integrity of the reading frame. This variant is not present in population databases (gnomAD no frequency). This variant has not been reported in the literature in individuals affected with DICER1-related conditions. ClinVar contains an entry for this variant (Variation ID: 566588). Experimental studies and prediction algorithms are not available or were not evaluated, and the functional significance of this variant is currently unknown. In summary, the available evidence is currently insufficient to determine the role of this variant in disease. Therefore, it has been classified as a Variant of Uncertain Significance.

NM_177438.3(DICER1):c.1719AGA[1] (p.Glu574del)

Gene: DICER1 (dicer 1, ribonuclease III; minus strand). Cytogenetic location: 14q32.13.
Variant type: Microsatellite.
Coding change: c.1719AGA[1] on transcript NM_177438.3 (MANE Select); one copy of the 3-base unit AGA starting at c.1719; the reference has two copies in a row; one copy, 3 bases deleted.
Protein change: p.Glu574del; deletes glutamic acid 574.
Molecular consequence: inframe deletion.
Genome position (GRCh38, 1-based): chr14:95,116,481-95,116,483, TCT deleted on the plus strand (AGA on the coding strand, the reverse complement: DICER1 is on the minus strand); deleting any 3 consecutive bases within chr14:95,116,481-95,116,488 gives the same sequence; the position shown is the placement nearest the transcript's 3' end. VCF-style (leftmost placement, unchanged base first): chr14-95116480-GTCT-G. GRCh37 (hg19) VCF-style: chr14-95582817-GTCT-G.
Other names: NM_177438.3(DICER1):c.1719AGA[1]; p.Glu574del; c.1722_1724delAGA (NM_177438.2); c.1719AGA[1], p.Glu574del (NM_001195573.1, NM_001271282.3, NM_001291628.2 and 1 more transcripts); short protein forms E574del.
Identifiers: ClinVar variation 566588 (VCV000566588.20), dbSNP rs1566790044, ClinGen allele CA891844309.
Genomic context (GRCh38, chr14:95,116,480, plus strand): 5'-ATCTGCCGGCACATGTTAATATGTTGATCTTACCTTTTCAATAGCTTTGTAGGTTTTAAG[GTCT>G]TCTTCAAAACTTTTTATTTTGTCTGTATCCGCTAACATTATATAATTAGAGATGGGTGCC-3'